The following is an entry in ClinVar:

NM_004655.4(AXIN2):c.1934C>G (p.Pro645Arg)

Gene: AXIN2 (axin 2; minus strand). Cytogenetic location: 17q24.1.
Variant type: single nucleotide variant.
Coding change: c.1934C>G on transcript NM_004655.4 (MANE Select); coding-DNA position 1934, C replaced by G.
Protein change: p.Pro645Arg; replaces proline 645 with arginine.
Molecular consequence: missense variant.
Genome position (GRCh38, 1-based): chr17:65,536,527, G>C on the plus strand (C>G on the coding strand, the complement: AXIN2 is on the minus strand). VCF-style: chr17-65536527-G-C. GRCh37 (hg19) VCF-style: chr17-63532645-G-C.
Other names: c.1739C>G, p.Pro580Arg (NM_001363813.1); short protein forms P645R, P580R.
Identifiers: ClinVar variation 1782929 (VCV001782929.8), dbSNP rs730881405, ClinGen allele CA400676302.

ClinVar aggregate classification (germline): Uncertain significance. Review status: criteria provided, multiple submitters, no conflicts (2 of 4 stars). 2 submissions from 2 submitters: Uncertain significance (2). Last evaluated 2025-10-24.

Conditions:
Hereditary cancer-predisposing syndrome. Also called: Neoplastic Syndromes, Hereditary; Tumor predisposition; Hereditary Cancer Syndrome; Hereditary neoplastic syndrome. Identifiers: Orphanet 140162, MedGen C0027672, MeSH D009386, MONDO:0015356.
Oligodontia-cancer predisposition syndrome. Also called: TOOTH AGENESIS-COLORECTAL CANCER SYNDROME. Identifiers: Orphanet 300576, MedGen C1837750, MONDO:0012075, OMIM 608615. Disease mechanism: loss of function.

Allele frequency attached by ClinVar (database versions not stated): TOPMed below 0.00001.
gnomAD v4.1: 1 of 1,613,854 alleles (0.000062%); highest among the groups gnomAD compares: Non-Finnish European, 0.000085%; no homozygotes.

Submissions (2):

Ambry Genetics
Classification: Uncertain significance for Hereditary cancer-predisposing syndrome. Last evaluated: 2025-10-24. Review status: criteria provided, single submitter. Criteria: Ambry Variant Classification Scheme 2023. Collection method: clinical testing. Allele origin: germline.
Comment: The p.P645R variant (also known as c.1934C>G), located in coding exon 7 of the AXIN2 gene, results from a C to G substitution at nucleotide position 1934. The proline at codon 645 is replaced by arginine, an amino acid with dissimilar properties. This amino acid position is not well conserved in available vertebrate species. In addition, this alteration is predicted to be tolerated by in silico analysis. Based on the available evidence, the clinical significance of this variant remains unclear.

Labcorp Genetics (formerly Invitae), Labcorp
Classification: Uncertain significance for Oligodontia-cancer predisposition syndrome. Last evaluated: 2022-09-17. Review status: criteria provided, single submitter. Criteria: Invitae Variant Classification Sherloc (09022015). Collection method: clinical testing. Allele origin: germline.
Comment: This sequence change replaces proline, which is neutral and non-polar, with arginine, which is basic and polar, at codon 645 of the AXIN2 protein (p.Pro645Arg). This variant is not present in population databases (gnomAD no frequency). In summary, the available evidence is currently insufficient to determine the role of this variant in disease. Therefore, it has been classified as a Variant of Uncertain Significance. Advanced modeling of protein sequence and biophysical properties (such as structural, functional, and spatial information, amino acid conservation, physicochemical variation, residue mobility, and thermodynamic stability) performed at Invitae indicates that this missense variant is not expected to disrupt AXIN2 protein function. This variant has not been reported in the literature in individuals affected with AXIN2-related conditions.